The following is an entry in ClinVar:

ClinVar aggregate classification (germline): Uncertain significance (1 of 4 stars; one submission).

Conditions:
Inborn genetic diseases. Identifiers: MedGen C0950123, MeSH D030342.

Allele frequency attached by ClinVar (database versions not stated): gnomAD exomes below 0.00001.
gnomAD v4.1: 2 of 1,613,982 alleles (0.00012%); highest among the groups gnomAD compares: Non-Finnish European, 0.00017%; no homozygotes.

Submission:

Ambry Genetics
Classification: Uncertain significance for Inborn genetic diseases. Last evaluated: 2023-01-31. Review status: criteria provided, single submitter. Criteria: Ambry Variant Classification Scheme 2023. Collection method: clinical testing. Allele origin: germline.
Comment: The p.I894M variant (also known as c.2682C>G), located in coding exon 21 of the BUB1B gene, results from a C to G substitution at nucleotide position 2682. The isoleucine at codon 894 is replaced by methionine, an amino acid with highly similar properties. This amino acid position is conserved. In addition, this alteration is predicted to be tolerated by in silico analysis. Since supporting evidence is limited at this time, the clinical significance of this alteration remains unclear.

NM_001211.6(BUB1B):c.2682C>G (p.Ile894Met)

Genes: BUB1B (BUB1 mitotic checkpoint serine/threonine kinase B; plus strand), BUB1B-PAK6 (BUB1B-PAK6 readthrough; plus strand). Cytogenetic location: 15q15.1.
Variant type: single nucleotide variant.
Coding change: c.2682C>G on transcript NM_001211.6 (MANE Select); coding-DNA position 2682, C replaced by G.
Protein change: p.Ile894Met; replaces isoleucine 894 with methionine.
Molecular consequence: missense variant. On other transcripts: 5 prime UTR variant (2).
Genome position (GRCh38, 1-based): chr15:40,217,499, C>G. VCF-style: chr15-40217499-C-G. GRCh37 (hg19) VCF-style: chr15-40509700-C-G.
Other names: c.-369C>G (NM_001128628.3); c.-286C>G (NM_001128629.3); short protein forms I894M.
Identifiers: ClinVar variation 3221403 (VCV003221403.1), dbSNP rs2542584474, ClinGen allele CA391687383.